The following is an entry in ClinVar:

NM_005085.4(NUP214):c.596G>C (p.Cys199Ser)

Gene: NUP214 (nucleoporin 214; plus strand). Cytogenetic location: 9q34.13.
Variant type: single nucleotide variant.
Coding change: c.596G>C on transcript NM_005085.4 (MANE Select); coding-DNA position 596, G replaced by C.
Protein change: p.Cys199Ser; replaces cysteine 199 with serine.
Molecular consequence: missense variant.
Genome position (GRCh38, 1-based): chr9:131,130,769, G>C. VCF-style: chr9-131130769-G-C. GRCh37 (hg19) VCF-style: chr9-134006156-G-C.
Other names: c.596G>C (NM_005085.3); c.596G>C, p.Cys199Ser (NM_001318324.2); short protein forms C199S.
Identifiers: ClinVar variation 3922863 (VCV003922863.2).
Genomic context (GRCh38, chr9:131,130,769, plus strand): 5'-ATCTTATTGGTTTGCTCCATTTTCTTGTTTTCATTTGGTAATACTGTCTTTGCTCAGTGT[G>C]CTGGAGCCCCAAAGGAAAGCAGCTGGCAGTGGGAAAACAGAATGGAACTGTGGTCCAGTA-3'
Protein context (NP_005076.3, residues 189-209): LPSTVAVTSV[Cys199Ser]WSPKGKQLAV

ClinVar aggregate classification (germline): Uncertain significance. Review status: criteria provided, multiple submitters, no conflicts (2 of 4 stars). 2 submissions from 2 submitters: Uncertain significance (2). Last evaluated 2026-03-04.

gnomAD v4.1: 6 of 1,613,938 alleles (0.00037%); highest among the groups gnomAD compares: African/African-American, 0.0027%; no homozygotes.

Submissions (2):

GeneDx
Classification: Uncertain significance. Last evaluated: 2026-03-04. Review status: criteria provided, single submitter. Criteria: GeneDx Variant Classification Process June 2021. Collection method: clinical testing. Allele origin: germline.
Comment: In silico analysis supports that this missense variant has a deleterious effect on protein structure/function; Has not been previously published as pathogenic or benign to our knowledge

Ambry Genetics
Classification: Uncertain significance. Last evaluated: 2025-05-05. Review status: criteria provided, single submitter. Criteria: Ambry Variant Classification Scheme 2023. Collection method: clinical testing. Allele origin: germline.